The following is an entry in ClinVar:

ClinVar aggregate classification (germline): Uncertain significance. Review status: criteria provided, multiple submitters, no conflicts (2 of 4 stars). 2 submissions from 2 submitters: Uncertain significance (2). Last evaluated 2022-08-23.

Conditions:
Emery-Dreifuss muscular dystrophy 4, autosomal dominant (EDMD4). Also called: EMERY-DREIFUSS MUSCULAR DYSTROPHY 4 WITH VARIABLE FEATURES. Identifiers: Orphanet 261, MedGen C2751807, MONDO:0013071, OMIM 612998.
Autosomal recessive ataxia, Beauce type. Also called: Spinocerebellar ataxia, autosomal recessive 8; ATAXIA, RECESSIVE, OF BEAUCE; SYNE1 Deficiency; SYNE1-Related Autosomal Recessive Cerebellar Ataxia. Identifiers: Orphanet 88644, MedGen C1853116, MONDO:0012549, OMIM 610743.

Allele frequency attached by ClinVar (database versions not stated): TOPMed below 0.00001; gnomAD 0.00001.
gnomAD v4.1: 2 of 1,614,104 alleles (0.00012%); highest among the groups gnomAD compares: African/African-American, 0.0013%; no homozygotes.

Submissions (2):

Labcorp Genetics (formerly Invitae), Labcorp
Classification: Uncertain significance for Emery-Dreifuss muscular dystrophy 4, autosomal dominant; Autosomal recessive ataxia, Beauce type. Last evaluated: 2022-08-23. Review status: criteria provided, single submitter. Criteria: Invitae Variant Classification Sherloc (09022015). Collection method: clinical testing. Allele origin: germline.
Comment: In summary, the available evidence is currently insufficient to determine the role of this variant in disease. Therefore, it has been classified as a Variant of Uncertain Significance. Algorithms developed to predict the effect of missense changes on protein structure and function are either unavailable or do not agree on the potential impact of this missense change (SIFT: "Deleterious"; PolyPhen-2: "Possibly Damaging"; Align-GVGD: "Class C0"). ClinVar contains an entry for this variant (Variation ID: 1044764). This variant has not been reported in the literature in individuals affected with SYNE1-related conditions. This variant is present in population databases (no rsID available, gnomAD 0.01%). This sequence change replaces serine, which is neutral and polar, with tyrosine, which is neutral and polar, at codon 1220 of the SYNE1 protein (p.Ser1220Tyr).

GeneDx
Classification: Uncertain significance. Last evaluated: 2019-09-12. Review status: criteria provided, single submitter. Criteria: GeneDx Variant Classification Process June 2021. Collection method: clinical testing. Allele origin: germline. Affected: yes.
Comment: Not observed at a significant frequency in large population cohorts (Lek et al., 2016); In silico analysis, which includes protein predictors and evolutionary conservation, supports a deleterious effect; Has not been previously published as pathogenic or benign to our knowledge

NM_182961.4(SYNE1):c.3638C>A (p.Ser1213Tyr)

Gene: SYNE1 (spectrin repeat containing nuclear envelope protein 1; minus strand). Cytogenetic location: 6q25.2.
Variant type: single nucleotide variant.
Coding change: c.3638C>A on transcript NM_182961.4 (MANE Select); coding-DNA position 3638, C replaced by A.
Protein change: p.Ser1213Tyr; replaces serine 1213 with tyrosine.
Molecular consequence: missense variant.
Genome position (GRCh38, 1-based): chr6:152,447,489, G>T on the plus strand (C>A on the coding strand, the complement: SYNE1 is on the minus strand). VCF-style: chr6-152447489-G-T. GRCh37 (hg19) VCF-style: chr6-152768624-G-T.
Other names: c.3659C>A, p.Ser1220Tyr (NM_033071.5); short protein forms S1213Y, S1220Y.
Identifiers: ClinVar variation 1044764 (VCV001044764.11), dbSNP rs1226690928, ClinGen allele CA366148188.